The following is an entry in ClinVar:

NM_001127222.2(CACNA1A):c.5133+10G>A

Gene: CACNA1A (calcium voltage-gated channel subunit alpha1 A; minus strand). Cytogenetic location: 19p13.13.
Variant type: single nucleotide variant.
Coding change: c.5133+10G>A on transcript NM_001127222.2 (MANE Select); 10 bases into the intron after coding-DNA position 5133, G replaced by A.
Molecular consequence: intron variant.
Genome position (GRCh38, 1-based): chr19:13,235,199, C>T on the plus strand (G>A on the coding strand, the complement: CACNA1A is on the minus strand). VCF-style: chr19-13235199-C-T. GRCh37 (hg19) VCF-style: chr19-13346013-C-T.
Other names: p.?; c.5136+10G>A (NM_001127221.2); c.5142+10G>A (NM_001174080.2); c.5151+10G>A (NM_000068.4, NM_023035.3); c.5133+10G>A (NM_001127222.1).
Identifiers: ClinVar variation 283174 (VCV000283174.18), dbSNP rs369033909, ClinGen allele CA9239826.
Genomic context (GRCh38, chr19:13,235,199, plus strand): 5'-GACCCACCCCTTTCTAAGGGTGGCTGCCCTCCTTGGGAGGCTCTGGGAACCTTAGGGACA[C>T]GACACTCACCTGCATCCCAATGATGGCATAGATGAAGAAGAGCATGGCGATCAGCAGACA-3'

ClinVar aggregate classification (germline): Conflicting classifications of pathogenicity. Review status: criteria provided, conflicting classifications (1 of 4 stars). 6 submissions from 6 submitters: Uncertain significance (1); Benign (2); Likely benign (3). Last evaluated 2026-04-23.

Conditions:
CACNA1A-related disorder. Also called: CACNA1A-related condition.
Developmental and epileptic encephalopathy, 42 (DEE42A). Also called: Epileptic encephalopathy, early infantile, 42; DEVELOPMENTAL AND EPILEPTIC ENCEPHALOPATHY 42A; EPILEPTIC ENCEPHALOPATHY, EARLY INFANTILE, 42A. Identifiers: MedGen C4310716, MONDO:0014917, OMIM 617106.
Episodic ataxia type 2 (EA2). Also called: ATAXIA, EPISODIC, WITH NYSTAGMUS; ATAXIA, FAMILIAL PAROXYSMAL; CEREBELLAR ATAXIA, PAROXYSMAL, ACETAZOLAMIDE-RESPONSIVE; CEREBELLOPATHY, HEREDITARY PAROXYSMAL; EPISODIC ATAXIA, NYSTAGMUS-ASSOCIATED; ACETAZOLAMIDE-RESPONSIVE HEREDITARY PAROXYSMAL CEREBELLAR ATAXIA. Identifiers: Orphanet 97, MedGen C1720416, MONDO:0007163, OMIM 108500.

Allele frequency attached by ClinVar (database versions not stated): gnomAD 0.00031 and 0.00029; ESP Exome Variant Server 0.00040; TOPMed 0.00049; gnomAD exomes 0.00056 and 0.00030; ExAC 0.00060; 1000 Genomes Project 0.00080; 1000 Genomes Project 30x 0.00109.
gnomAD v4.1: 492 of 1,606,702 alleles (0.031%); highest among the groups gnomAD compares: Admixed American, 0.23%; 2 homozygotes.

Submissions (6):

PreventionGenetics, part of Exact Sciences
Classification: Likely benign for CACNA1A-related condition. Last evaluated: 2026-04-23. Review status: criteria provided, single submitter. Criteria: ACMG Guidelines, 2015. Collection method: clinical testing. Allele origin: germline.
Comment: This variant is classified as likely benign based on ACMG/AMP sequence variant interpretation guidelines (Richards et al. 2015 PMID: 25741868, with internal and published modifications).

Labcorp Genetics (formerly Invitae), Labcorp
Classification: Benign for Developmental and epileptic encephalopathy, 42; Episodic ataxia type 2. Last evaluated: 2026-02-03. Review status: criteria provided, single submitter. Criteria: Invitae Variant Classification Sherloc (09022015). Collection method: clinical testing. Allele origin: germline.

Mayo Clinic Laboratories, Mayo Clinic
Classification: Benign. Last evaluated: 2025-03-13. Review status: criteria provided, single submitter. Criteria: ACMG Guidelines, 2015. Collection method: clinical testing. Allele origin: germline. Observed: 1 variant allele.
Comment: BS1, BS2, BP4, BP7

Blueprint Genetics
Classification: Likely benign. Last evaluated: 2024-11-06. Review status: criteria provided, single submitter. Criteria: ACMG Guidelines, 2015. Collection method: clinical testing. Allele origin: germline.

GeneDx
Classification: Likely benign. Last evaluated: 2017-12-04. Review status: criteria provided, single submitter. Criteria: GeneDx Variant Classification (06012015). Collection method: clinical testing. Allele origin: germline. Affected: yes.
Comment: This variant is considered likely benign or benign based on one or more of the following criteria: it is a conservative change, it occurs at a poorly conserved position in the protein, it is predicted to be benign by multiple in silico algorithms, and/or has population frequency not consistent with disease.

Eurofins Ntd Llc (ga)
Classification: Uncertain significance. Last evaluated: 2017-10-24. Review status: criteria provided, single submitter. Criteria: EGL Classification Definitions 2015. Collection method: clinical testing. Allele origin: germline. Observed: 2 variant alleles, 2 heterozygotes.